The following is an entry in ClinVar:

ClinVar aggregate classification (germline): Uncertain significance (1 of 4 stars; one submission).

Conditions:
Charcot-Marie-Tooth disease type 2. Also called: Charcot-Marie-Tooth type 2. Identifiers: Orphanet 64746, MedGen C0270914, MONDO:0018993.

Submission:

Labcorp Genetics (formerly Invitae), Labcorp
Classification: Uncertain significance for Charcot-Marie-Tooth disease type 2. Last evaluated: 2024-09-09. Review status: criteria provided, single submitter. Criteria: Invitae Variant Classification Sherloc (09022015). Collection method: clinical testing. Allele origin: germline.
Comment: This sequence change replaces glutamine, which is neutral and polar, with arginine, which is basic and polar, at codon 252 of the AARS protein (p.Gln252Arg). This variant is not present in population databases (gnomAD no frequency). This variant has not been reported in the literature in individuals affected with AARS-related conditions. Invitae Evidence Modeling of protein sequence and biophysical properties (such as structural, functional, and spatial information, amino acid conservation, physicochemical variation, residue mobility, and thermodynamic stability) has been performed for this missense variant. However, the output from this modeling did not meet the statistical confidence thresholds required to predict the impact of this variant on AARS protein function. In summary, the available evidence is currently insufficient to determine the role of this variant in disease. Therefore, it has been classified as a Variant of Uncertain Significance.

NM_001605.3(AARS1):c.755A>G (p.Gln252Arg)

Gene: AARS1 (alanyl-tRNA synthetase 1; minus strand). Cytogenetic location: 16q22.1.
Variant type: single nucleotide variant.
Coding change: c.755A>G on transcript NM_001605.3 (MANE Select); coding-DNA position 755, A replaced by G.
Protein change: p.Gln252Arg; replaces glutamine 252 with arginine.
Molecular consequence: missense variant.
Genome position (GRCh38, 1-based): chr16:70,270,257, T>C on the plus strand (A>G on the coding strand, the complement: AARS1 is on the minus strand). VCF-style: chr16-70270257-T-C. GRCh37 (hg19) VCF-style: chr16-70304160-T-C.
Other names: short protein forms Q252R.
Identifiers: ClinVar variation 3621541 (VCV003621541.2).
Genomic context (GRCh38, chr16:70,270,257, plus strand): 5'-TTCTGAATGGCTTCAAAGTAAGGGACAAAAAGGTCAGTGTCATAGTTGGACATCTTATTC[T>C]GCAGCACAGATACCAGTCGTTCCAGGCCCATCCCTGTGTCAATGCTTTTCTTGGGAAGAG-3'
Protein context (NP_001596.2, residues 242-262): MGLERLVSVL[Gln252Arg]NKMSNYDTDL